The following is an entry in ClinVar:

NM_000059.4(BRCA2):c.647C>T (p.Ala216Val)

Gene: BRCA2 (BRCA2 DNA repair associated; plus strand). Cytogenetic location: 13q13.1.
Variant type: single nucleotide variant.
Coding change: c.647C>T on transcript NM_000059.4 (MANE Select); coding-DNA position 647, C replaced by T.
Protein change: p.Ala216Val; replaces alanine 216 with valine.
Molecular consequence: missense variant. On other transcripts: non-coding transcript variant (1).
Genome position (GRCh38, 1-based): chr13:32,329,458, C>T. VCF-style: chr13-32329458-C-T. GRCh37 (hg19) VCF-style: chr13-32903595-C-T.
Other names: c.647C>T, p.Ala216Val (NM_001406719.1, NM_001406720.1, NM_001406721.1 and 1 more transcripts); c.278C>T, p.Ala93Val (NM_001406722.1); short protein forms A216V, A93V.
Identifiers: ClinVar variation 4802263 (VCV004802263.2).

ClinVar aggregate classification (germline): Uncertain significance. Review status: criteria provided, multiple submitters, no conflicts (2 of 4 stars). 2 submissions from 2 submitters: Uncertain significance (2). Last evaluated 2025-11-05.

Conditions:
Breast-ovarian cancer, familial, susceptibility to, 2 (BROVCA2). Also called: BRCA2 Hereditary Breast and Ovarian Cancer. Identifiers: Orphanet 145, MedGen C2675520, MONDO:0012933, OMIM 612555. Disease mechanism: loss of function.
Hereditary breast ovarian cancer syndrome. Also called: Hereditary breast and/or ovarian cancer syndrome; Hereditary breast and ovarian cancer syndrome; Hereditary breast and ovarian cancer syndrome (HBOC); Hereditary breast and ovarian cancer; BRCA1- and BRCA2-Associated Hereditary Breast and Ovarian Cancer; Breast and ovarian cancer. Identifiers: Orphanet 145, MedGen C0677776, MeSH D061325, MONDO:0003582. Disease mechanism: loss of function.

Submissions (2):

Labcorp Genetics (formerly Invitae), Labcorp
Classification: Uncertain significance for Hereditary breast ovarian cancer syndrome. Last evaluated: 2025-11-05. Review status: criteria provided, single submitter. Criteria: Invitae Variant Classification Sherloc (09022015). Collection method: clinical testing. Allele origin: germline.
Comment: This sequence change replaces alanine, which is neutral and non-polar, with valine, which is neutral and non-polar, at codon 216 of the BRCA2 protein (p.Ala216Val). This variant is not present in population databases (gnomAD no frequency). This variant has not been reported in the literature in individuals affected with BRCA2-related conditions. Invitae Evidence Modeling of protein sequence and biophysical properties (such as structural, functional, and spatial information, amino acid conservation, physicochemical variation, residue mobility, and thermodynamic stability) indicates that this missense variant is not expected to disrupt BRCA2 protein function with a negative predictive value of 95%. In summary, the available evidence is currently insufficient to determine the role of this variant in disease. Therefore, it has been classified as a Variant of Uncertain Significance.

MVZ Praenatalmedizin und Genetik Nuernberg
Classification: Uncertain significance for Breast-ovarian cancer, familial, susceptibility to, 2. Last evaluated: 2024-01-25. Review status: criteria provided, single submitter. Criteria: ACMG Guidelines, 2015. Collection method: clinical testing. Allele origin: germline.
Comment: This missense mutation has not yet been described in the ClinVar and gnomAD databases. A literature search did not yield any additional information. Although computer-assisted predictions (in silico) predominantly assess the variant as benign, this is not yet sufficient for classification. In summary this is a variant of uncertain clinical significance (VUS).